The following is an entry in ClinVar:

ClinVar aggregate classification (germline): Pathogenic/Likely pathogenic. Review status: criteria provided, multiple submitters, no conflicts (2 of 4 stars). 6 submissions from 6 submitters: Pathogenic (5); Likely pathogenic (1). Last evaluated 2025-12-26.

Conditions:
NF1-related disorder. Also called: NF1-related condition. Identifiers: MedGen CN379171.
Neurofibromatosis, type 1 (NF1). Also called: Neurofibromatosis, type I; Peripheral type neurofibromatosis; VON RECKLINGHAUSEN DISEASE; NEUROFIBROMATOSIS, TYPE I, SOMATIC. Identifiers: Orphanet 636, MedGen C0027831, MONDO:0018975, OMIM 162200. Disease mechanism: loss of function.

Submissions (6):

Otolaryngology - Head and Neck Surgery, The General Hospital of the PLA Rocket Force
Classification: Likely pathogenic for Neurofibromatosis, type 1. Last evaluated: 2025-12-26. Review status: criteria provided, single submitter. Criteria: ACMG Guidelines, 2015. Collection method: clinical testing. Allele origin: de novo. Inheritance: Autosomal dominant inheritance. Affected: no.
Comment: ACMG Evidence PVS1; PM2_Supporting; PS3_supporting; PM6

Women's Health and Genetics/Laboratory Corporation of America, LabCorp
Classification: Pathogenic for Neurofibromatosis, type 1. Last evaluated: 2025-06-16. Review status: criteria provided, single submitter. Criteria: LabCorp Variant Classification Summary - May 2015. Collection method: clinical testing. Allele origin: germline.
Comment: Variant summary: NF1 c.999C>A (p.Tyr333X) results in a premature termination codon, predicted to cause a truncation of the encoded protein or absence of the protein due to nonsense mediated decay, which are commonly known mechanisms for disease. The variant was absent in 251446 control chromosomes. c.999C>A has been observed in individual(s) affected with Neurofibromatosis Type 1 (e.g. Zhu_2016). The following publication has been ascertained in the context of this evaluation (PMID: 26962827). ClinVar contains an entry for this variant (Variation ID: 996500). Based on the evidence outlined above, the variant was classified as pathogenic.

Blueprint Genetics
Classification: Pathogenic for NF1-related disorders. Last evaluated: 2024-08-09. Review status: criteria provided, single submitter. Criteria: ACMG Guidelines, 2015. Collection method: clinical testing. Allele origin: germline. Affected: yes. Observed: 1 variant allele.

Labcorp Genetics (formerly Invitae), Labcorp
Classification: Pathogenic for Neurofibromatosis, type 1. Last evaluated: 2023-08-14. Review status: criteria provided, single submitter. Criteria: Invitae Variant Classification Sherloc (09022015). Collection method: clinical testing. Allele origin: germline.
Comment: Algorithms developed to predict the effect of sequence changes on RNA splicing suggest that this variant may disrupt the consensus splice site. For these reasons, this variant has been classified as Pathogenic. ClinVar contains an entry for this variant (Variation ID: 996500). This sequence change creates a premature translational stop signal (p.Tyr333*) in the NF1 gene. It is expected to result in an absent or disrupted protein product. Loss-of-function variants in NF1 are known to be pathogenic (PMID: 10712197, 23913538). This variant is not present in population databases (gnomAD no frequency). This premature translational stop signal has been observed in individuals with neurofibromatosis type 1 (PMID: 26962827).

Genome-Nilou Lab
Classification: Pathogenic for Neurofibromatosis, type 1. Last evaluated: 2022-03-15. Review status: criteria provided, single submitter. Criteria: ACMG Guidelines, 2015. Collection method: clinical testing. Allele origin: germline. Affected: no.

Genome Diagnostics Laboratory, The Hospital for Sick Children
Classification: Pathogenic for Neurofibromatosis, type 1. Last evaluated: 2020-10-26. Review status: criteria provided, single submitter. Criteria: ACMG Guidelines, 2015. Collection method: clinical testing. Allele origin: germline. Affected: yes.

Literature cited by the submitters: PubMed 10678181 (cited by Women's Health and Genetics/Laboratory Corporation of America, LabCorp); PubMed 23460398 (cited by Women's Health and Genetics/Laboratory Corporation of America, LabCorp); PubMed 29872168 (cited by Women's Health and Genetics/Laboratory Corporation of America, LabCorp); PubMed 27069254 (cited by Women's Health and Genetics/Laboratory Corporation of America, LabCorp); PubMed 26962827 (cited by Women's Health and Genetics/Laboratory Corporation of America, LabCorp and Labcorp Genetics (formerly Invitae), Labcorp); PubMed 10712197 (cited by Labcorp Genetics (formerly Invitae), Labcorp); PubMed 23913538 (cited by Labcorp Genetics (formerly Invitae), Labcorp).

NM_001042492.3(NF1):c.999C>A (p.Tyr333Ter)

Gene: NF1 (neurofibromin 1; plus strand). Cytogenetic location: 17q11.2.
Variant type: single nucleotide variant.
Coding change: c.999C>A on transcript NM_001042492.3 (MANE Select); coding-DNA position 999, C replaced by A.
Protein change: p.Tyr333Ter; replaces tyrosine 333 with a stop codon.
Molecular consequence: nonsense.
Genome position (GRCh38, 1-based): chr17:31,200,532, C>A. VCF-style: chr17-31200532-C-A. GRCh37 (hg19) VCF-style: chr17-29527550-C-A.
Other names: c.999C>A, p.Tyr333Ter (NM_000267.4, NM_001128147.3); short protein forms Y333*.
Identifiers: ClinVar variation 996500 (VCV000996500.11), dbSNP rs1466912192, ClinGen allele CA398996216.